The following is an entry in ClinVar:

NM_147127.5(EVC2):c.2263C>T (p.Gln755Ter)

Gene: EVC2 (EvC ciliary complex subunit 2; minus strand). Cytogenetic location: 4p16.2.
Variant type: single nucleotide variant.
Coding change: c.2263C>T on transcript NM_147127.5 (MANE Select); coding-DNA position 2263, C replaced by T.
Protein change: p.Gln755Ter; replaces glutamine 755 with a stop codon.
Molecular consequence: nonsense.
Genome position (GRCh38, 1-based): chr4:5,622,775, G>A on the plus strand (C>T on the coding strand, the complement: EVC2 is on the minus strand). VCF-style: chr4-5622775-G-A. GRCh37 (hg19) VCF-style: chr4-5624502-G-A.
Other names: c.2023C>T, p.Gln675Ter (NM_001166136.2); short protein forms Q755*, Q675*.
Identifiers: ClinVar variation 194442 (VCV000194442.20), dbSNP rs751356206, ClinGen allele CA201188.
Genomic context (GRCh38, chr4:5,622,775, plus strand): 5'-GCTGCAGGAAGAGCCAGGGCACCCCACGCTTGAGCAGCTCCTGGGTCATGGCTGAGTTCT[G>A]CAGGCGCCGCAGCTCGTCGGTGGCCTTTTCAAACAGCGAAAGGGTCAGGGTCCTGAGATC-3'

ClinVar aggregate classification (germline): Pathogenic. Review status: criteria provided, multiple submitters, no conflicts (2 of 4 stars). 7 submissions from 7 submitters: Pathogenic (5). 2 of the submissions do not count toward it. Last evaluated 2025-07-21.

Conditions:
Curry-Hall syndrome (WAD). Also called: WEYERS ACRODENTAL DYSOSTOSIS. Identifiers: Orphanet 952, MedGen C0457013, MONDO:0008673, OMIM 193530.
Ellis-van Creveld syndrome (EVC). Also called: EVC-Related Ellis-van Creveld Syndrome; EVC2-Related Ellis-van Creveld Syndrome; MESOECTODERMAL DYSPLASIA; Chondroectodermal dysplasia. Identifiers: Orphanet 289, MedGen C0013903, MONDO:0009162, OMIM 225500.

Allele frequency attached by ClinVar (database versions not stated): gnomAD exomes below 0.00001 and 0.00003; ExAC 0.00001; gnomAD 0.00001; TOPMed 0.00002.
gnomAD v4.1: 47 of 1,613,918 alleles (0.0029%); highest among the groups gnomAD compares: Non-Finnish European, 0.004%; no homozygotes.

Submissions (7):

Labcorp Genetics (formerly Invitae), Labcorp
Classification: Pathogenic for Curry-Hall syndrome; Ellis-van Creveld syndrome. Last evaluated: 2025-07-21. Review status: criteria provided, single submitter. Criteria: Invitae Variant Classification Sherloc (09022015). Collection method: clinical testing. Allele origin: germline.
Comment: This sequence change creates a premature translational stop signal (p.Gln755*) in the EVC2 gene. It is expected to result in an absent or disrupted protein product. Loss-of-function variants in EVC2 are known to be pathogenic (PMID: 17024374, 19810119, 19876929). This variant is present in population databases (rs751356206, gnomAD 0.002%). This premature translational stop signal has been observed in individual(s) with autosomal recessive Ellis van-Creveld syndrome (PMID: 17024374). ClinVar contains an entry for this variant (Variation ID: 194442). For these reasons, this variant has been classified as Pathogenic.

Variantyx, Inc.
Classification: Pathogenic for Ellis-van Creveld syndrome. Last evaluated: 2025-04-02. Review status: criteria provided, single submitter. Criteria: Variantyx Assertion Criteria 2022. Collection method: clinical testing. Allele origin: germline. Inheritance: Autosomal recessive inheritance. Affected: yes.
Comment: This is a nonsense variant in the EVC2 gene (OMIM: 607261). Pathogenic variants in this gene have been associated with autosomal recessive Ellis-van Creveld syndrome. This variant introduces a premature termination codon in exon 14 out of 22 and is expected to result in loss of function, which is a known disease mechanism for EVC2 in this disorder (PMID: 37107645, 17024374, 19810119, 19876929) (PVS1). This variant has been reported in the compound heterozygous state in an affected individual (PMID: 17024374), and it has a 0.0040% maximum allele frequency in non-founder control populations (PM2). The clinical symptoms reported for this individual are highly specific for autosomal recessive Ellis-van Creveld syndrome, which has a limited genetic etiology (PMID: 37903214) (PP4). Based on the current evidence, this variant is classified as pathogenic for autosomal recessive Ellis-van Creveld syndrome.

Women's Health and Genetics/Laboratory Corporation of America, LabCorp
Classification: Pathogenic for Ellis-van Creveld syndrome. Last evaluated: 2024-03-18. Review status: criteria provided, single submitter. Criteria: LabCorp Variant Classification Summary - May 2015. Collection method: clinical testing. Allele origin: germline.
Comment: Variant summary: EVC2 c.2263C>T (p.Gln755X) results in a premature termination codon, predicted to cause a truncation of the encoded protein or absence of the protein due to nonsense mediated decay, which are commonly known mechanisms for disease. The variant allele was found at a frequency of 4e-06 in 251264 control chromosomes. c.2263C>T has been reported in the literature in at least one compound heterozygous individual affected with Ellis-van Creveld syndrome (e.g. Tompson_2007). To our knowledge, no experimental evidence demonstrating an impact on protein function has been reported. The following publication has been ascertained in the context of this evaluation (PMID: 17024374). ClinVar contains an entry for this variant (Variation ID: 194442). Based on the evidence outlined above, the variant was classified as pathogenic.

Fulgent Genetics
Classification: Pathogenic for Curry-Hall syndrome; Ellis-van Creveld syndrome. Last evaluated: 2018-10-31. Review status: criteria provided, single submitter. Criteria: ACMG Guidelines, 2015. Collection method: clinical testing. Allele origin: unknown.

Eurofins Ntd Llc (ga)
Classification: Pathogenic. Last evaluated: 2018-07-03. Review status: criteria provided, single submitter. Criteria: EGL ClinVar v180209 classification definitions. Collection method: clinical testing. Allele origin: germline. Observed: 3 variant alleles, 3 heterozygotes.

Counsyl
Classification: Likely pathogenic for Ellis-van Creveld syndrome. Last evaluated: 2017-08-11. Review status: no assertion criteria provided. Collection method: clinical testing. Allele origin: unknown. Not counted in ClinVar's aggregate classification.

Department of Pathology and Laboratory Medicine, Sinai Health System
Classification: Uncertain significance. Review status: no assertion criteria provided. Collection method: clinical testing. Allele origin: unknown. Affected: yes. Study: The Canadian Open Genetics Repository (COGR). Not counted in ClinVar's aggregate classification.

Literature cited by the submitters: PubMed 17024374 (cited by 5 submitters); PubMed 19810119 (cited by Labcorp Genetics (formerly Invitae), Labcorp and Variantyx, Inc.); PubMed 19876929 (cited by Labcorp Genetics (formerly Invitae), Labcorp and Variantyx, Inc.); PubMed 25525159 (cited by Counsyl).